The following is an entry in ClinVar:

ClinVar aggregate classification (germline): Uncertain significance. Review status: criteria provided, multiple submitters, no conflicts (2 of 4 stars). 4 submissions from 4 submitters: Uncertain significance (3). 1 of the submissions does not count toward it. Last evaluated 2025-08-13.

Conditions:
Hereditary cancer-predisposing syndrome. Also called: Tumor predisposition; Hereditary Cancer Syndrome; Neoplastic Syndromes, Hereditary; Hereditary neoplastic syndrome. Identifiers: Orphanet 140162, MedGen C0027672, MeSH D009386, MONDO:0015356.
Hereditary breast ovarian cancer syndrome. Also called: Hereditary breast and ovarian cancer; Breast and ovarian cancer; Hereditary breast and/or ovarian cancer syndrome; BRCA1- and BRCA2-Associated Hereditary Breast and Ovarian Cancer; Hereditary breast and ovarian cancer syndrome; Hereditary breast and ovarian cancer syndrome (HBOC). Identifiers: Orphanet 145, MedGen C0677776, MeSH D061325, MONDO:0003582. Disease mechanism: loss of function.
Breast-ovarian cancer, familial, susceptibility to, 2 (BROVCA2). Also called: BRCA2 Hereditary Breast and Ovarian Cancer. Identifiers: Orphanet 145, MedGen C2675520, MONDO:0012933, OMIM 612555. Disease mechanism: loss of function.

Allele frequency attached by ClinVar (database versions not stated): gnomAD exomes below 0.00001; ExAC 0.00001.
gnomAD v4.1: 1 of 1,612,616 alleles (0.000062%); highest among the groups gnomAD compares: Non-Finnish European, 0.000085%; no homozygotes.

Submissions (4):

Color Diagnostics, LLC DBA Color Health
Classification: Uncertain significance for Hereditary cancer-predisposing syndrome. Last evaluated: 2025-08-13. Review status: criteria provided, single submitter. Criteria: ACMG Guidelines, 2015. Collection method: clinical testing. Allele origin: germline.
Comment: This missense variant replaces methionine with valine at codon 2775 in the DNA binding/OB tower domain of the BRCA2 protein. Computational prediction suggests that this variant may not impact protein structure and function. Functional studies have reported conflicting results for this variant with no impact in a haploid cell proliferation assay (PMID: 39779857) and uncertain impact in sensitivity assays to cisplatin and PARP inhibitor (PMID: 39779848). A multifactorial analysis has reached a combined likelihood ratio (LR) of 0.639 based on reported LR for co-occurrence with a pathogenic variant and family history (PMID: 31131967). This variant has been identified in 1/247808 chromosomes in the general population by the Genome Aggregation Database (gnomAD). The available evidence is insufficient to determine the role of this variant in disease conclusively. Therefore, this variant is classified as a Variant of Uncertain Significance.

Labcorp Genetics (formerly Invitae), Labcorp
Classification: Uncertain significance for Hereditary breast ovarian cancer syndrome. Last evaluated: 2025-05-12. Review status: criteria provided, single submitter. Criteria: Invitae Variant Classification Sherloc (09022015). Collection method: clinical testing. Allele origin: germline.
Comment: This sequence change replaces methionine, which is neutral and non-polar, with valine, which is neutral and non-polar, at codon 2775 of the BRCA2 protein (p.Met2775Val). This variant is present in population databases (rs767209209, gnomAD 0.0009%). This missense change has been observed in individual(s) with breast or ovarian cancer (PMID: 27495310). ClinVar contains an entry for this variant (Variation ID: 254645). Invitae Evidence Modeling of protein sequence and biophysical properties (such as structural, functional, and spatial information, amino acid conservation, physicochemical variation, residue mobility, and thermodynamic stability) indicates that this missense variant is not expected to disrupt BRCA2 protein function with a negative predictive value of 95%. In summary, the available evidence is currently insufficient to determine the role of this variant in disease. Therefore, it has been classified as a Variant of Uncertain Significance.

GeneDx
Classification: Uncertain significance. Last evaluated: 2016-12-12. Review status: criteria provided, single submitter. Criteria: GeneDx Variant Classification (06012015). Collection method: clinical testing. Allele origin: germline. Affected: yes.
Comment: This variant is denoted BRCA2 c.8323A>G at the cDNA level, p.Met2775Val (M2775V) at the protein level, and results in the change of a Methionine to a Valine (ATG>GTG). Using alternate nomenclature, this variant would be defined as BRCA2 8551A>G. This variant has been observed in at least one individual with a family history of breast or ovarian cancer (Jarhelle 2016). BRCA2 Met2775Val was not observed in approximately 6,500 individuals of European and African American ancestry in the NHLBI Exome Sequencing Project, suggesting it is not a common benign variant in these populations. Since Methionine and Valine share similar properties, this is considered a conservative amino acid substitution. BRCA2 Met2775Val occurs at a position that is not conserved and is located in the DNA binding domain (Yang 2002). In silico analyses are inconsistent regarding the effect this variant may have on protein structure and function. Based on currently available evidence, it is unclear whether BRCA2 Met2775Val is a pathogenic or benign variant. We consider it to be a variant of uncertain significance.

Department of Medical Genetics, University Hospital of North Norway
Classification: Uncertain significance for Breast-ovarian cancer, familial, susceptibility to, 2. Last evaluated: 2016-05-01. Review status: no assertion criteria provided. Collection method: clinical testing. Allele origin: germline. Affected: no. Observed: 1 variant allele. Not counted in ClinVar's aggregate classification.

Literature cited by the submitters: PubMed 31131967 (cited by Color Diagnostics, LLC DBA Color Health); PubMed 39779848 (cited by Color Diagnostics, LLC DBA Color Health); PubMed 39779857 (cited by Color Diagnostics, LLC DBA Color Health); PubMed 27495310 (cited by Labcorp Genetics (formerly Invitae), Labcorp and Department of Medical Genetics, University Hospital of North Norway).

NM_000059.4(BRCA2):c.8323A>G (p.Met2775Val)

Gene: BRCA2 (BRCA2 DNA repair associated; plus strand). Cytogenetic location: 13q13.1.
Variant type: single nucleotide variant.
Coding change: c.8323A>G on transcript NM_000059.4 (MANE Select); coding-DNA position 8323, A replaced by G.
Protein change: p.Met2775Val; replaces methionine 2775 with valine.
Molecular consequence: missense variant.
Genome position (GRCh38, 1-based): chr13:32,363,525, A>G. VCF-style: chr13-32363525-A-G. GRCh37 (hg19) VCF-style: chr13-32937662-A-G.
Other names: short protein forms M2775V.
Identifiers: ClinVar variation 254645 (VCV000254645.17), dbSNP rs767209209, ClinGen allele CA6941208.